The following is an entry in ClinVar:

NM_001177693.2(ARHGEF28):c.2153A>C (p.Asn718Thr)

Gene: ARHGEF28 (Rho guanine nucleotide exchange factor 28; plus strand). Cytogenetic location: 5q13.2.
Variant type: single nucleotide variant.
Coding change: c.2153A>C on transcript NM_001177693.2 (MANE Select); coding-DNA position 2153, A replaced by C.
Protein change: p.Asn718Thr; replaces asparagine 718 with threonine.
Molecular consequence: missense variant.
Genome position (GRCh38, 1-based): chr5:73,867,876, A>C. VCF-style: chr5-73867876-A-C. GRCh37 (hg19) VCF-style: chr5-73163701-A-C.
Other names: c.2153A>C, p.Asn718Thr (NM_001080479.3, NM_001388078.1); c.1214A>C, p.Asn405Thr (NM_001244364.2); c.1859A>C, p.Asn620Thr (NM_001388076.1); short protein forms N405T, N620T, N718T.
Identifiers: ClinVar variation 3048650 (VCV003048650.2), dbSNP rs556517499, ClinGen allele CA3304800.
Genomic context (GRCh38, chr5:73,867,876, plus strand): 5'-CTACTTTTACTTGTAATTACTGACCTGGAAACCACATGAAGCATCTGTTCTGATTTCCAG[A>C]TTCTTCATTTAGAGACATCCCACAGCCTGGTCTCTCCTTGCACCCTTCTTCCTCCGTGCC-3'
Protein context (NP_001171164.1, residues 708-728): NKNKPQTILG[Asn718Thr]SSFRDIPQPG

ClinVar aggregate classification (germline): Likely benign (0 of 4 stars; one submission).

Conditions:
ARHGEF28-related disorder. Also called: ARHGEF28-related condition.

Allele frequency attached by ClinVar (database versions not stated): TOPMed 0.00002; 1000 Genomes Project 30x 0.00031; 1000 Genomes Project 0.00040.
gnomAD v4.1: 227 of 1,613,926 alleles (0.014%); highest among the groups gnomAD compares: South Asian, 0.21%; 2 homozygotes.

Submission:

PreventionGenetics, part of Exact Sciences
Classification: Likely benign for ARHGEF28-related condition. Last evaluated: 2019-12-23. Review status: no assertion criteria provided. Collection method: clinical testing. Allele origin: germline.
Comment: This variant is classified as likely benign based on ACMG/AMP sequence variant interpretation guidelines (Richards et al. 2015 PMID: 25741868, with internal and published modifications).